The following is an entry in ClinVar:

NM_001378030.1(CCDC78):c.616C>T (p.Gln206Ter)

Gene: CCDC78 (coiled-coil domain containing 78; minus strand). Cytogenetic location: 16p13.3.
Variant type: single nucleotide variant.
Coding change: c.616C>T on transcript NM_001378030.1 (MANE Select); coding-DNA position 616, C replaced by T.
Protein change: p.Gln206Ter; replaces glutamine 206 with a stop codon.
Molecular consequence: nonsense. On other transcripts: non-coding transcript variant (5), intron variant (1).
Genome position (GRCh38, 1-based): chr16:724,934, G>A on the plus strand (C>T on the coding strand, the complement: CCDC78 is on the minus strand). VCF-style: chr16-724934-G-A. GRCh37 (hg19) VCF-style: chr16-774934-G-A.
Other names: c.616C>T, p.Gln206Ter (NM_001031737.3, NM_001378031.1); c.198+144C>T (NM_001378033.1); short protein forms Q206*.
Identifiers: ClinVar variation 2077838 (VCV002077838.4), dbSNP rs765910412, ClinGen allele CA7789497.

ClinVar aggregate classification (germline): Uncertain significance (1 of 4 stars; one submission).

Conditions:
Congenital myopathy with internal nuclei and atypical cores. Also called: Myopathy, centronuclear, 4. Identifiers: Orphanet 319160, MedGen C4707232, MONDO:0013890, OMIM 614807.

Allele frequency attached by ClinVar (database versions not stated): gnomAD exomes below 0.00001; ExAC 0.00001; TOPMed 0.00001; gnomAD 0.00002.
gnomAD v4.1: 5 of 1,607,846 alleles (0.00031%); highest among the groups gnomAD compares: Middle Eastern, 0.016%; no homozygotes.

Submission:

Labcorp Genetics (formerly Invitae), Labcorp
Classification: Uncertain significance for Congenital myopathy with internal nuclei and atypical cores. Last evaluated: 2022-02-25. Review status: criteria provided, single submitter. Criteria: Invitae Variant Classification Sherloc (09022015). Collection method: clinical testing. Allele origin: germline.
Comment: In summary, the available evidence is currently insufficient to determine the role of this variant in disease. Therefore, it has been classified as a Variant of Uncertain Significance. This premature translational stop signal has been observed in individual(s) with clinical features of a nervous system disorder (PMID: 26633542). This variant is present in population databases (rs765910412, gnomAD 0.002%). This sequence change creates a premature translational stop signal (p.Gln206*) in the CCDC78 gene. It is expected to result in an absent or disrupted protein product. However, the current clinical and genetic evidence is not sufficient to establish whether loss-of-function variants in CCDC78 cause disease.

Literature cited by the submitters: PubMed 26633542.